The following is an entry in ClinVar:

ClinVar aggregate classification (germline): Pathogenic. Review status: criteria provided, multiple submitters, no conflicts (2 of 4 stars). 2 submissions from 2 submitters: Pathogenic (2). Last evaluated 2026-01-08.

Conditions:
Fanconi anemia (FA). Also called: Fanconi's anemia. Identifiers: Orphanet 84, MedGen C0015625, MeSH D005199, MONDO:0019391.
Fanconi anemia complementation group A (FANCA). Also called: Fanconi anemia, group A; FANCA-Related Fanconi Anemia. Identifiers: Orphanet 84, MedGen C3469521, MONDO:0009215, OMIM 227650.

Allele frequency attached by ClinVar (database versions not stated): TOPMed below 0.00001.

Submissions (2):

Labcorp Genetics (formerly Invitae), Labcorp
Classification: Pathogenic for Fanconi anemia. Last evaluated: 2026-01-08. Review status: criteria provided, single submitter. Criteria: Invitae Variant Classification Sherloc (09022015). Collection method: clinical testing. Allele origin: germline.
Comment: This sequence change creates a premature translational stop signal (p.Glu715*) in the FANCA gene. It is expected to result in an absent or disrupted protein product. Loss-of-function variants in FANCA are known to be pathogenic (PMID: 19367192). This variant is present in population databases (rs781436006, gnomAD no frequency). This premature translational stop signal has been observed in individual(s) with squamous cell lung carcinoma (PMID: 29625052). ClinVar contains an entry for this variant (Variation ID: 1322867). For these reasons, this variant has been classified as Pathogenic.

Revvity Omics, Revvity
Classification: Pathogenic for Fanconi anemia complementation group A. Last evaluated: 2019-01-08. Review status: criteria provided, single submitter. Criteria: ACMG Guidelines, 2015. Collection method: clinical testing. Allele origin: germline.

Literature cited by the submitters: PubMed 19367192 (cited by Labcorp Genetics (formerly Invitae), Labcorp); PubMed 29625052 (cited by Labcorp Genetics (formerly Invitae), Labcorp).

NM_000135.4(FANCA):c.2143G>T (p.Glu715Ter)

Gene: FANCA (FA complementation group A; minus strand). Cytogenetic location: 16q24.3.
Variant type: single nucleotide variant.
Coding change: c.2143G>T on transcript NM_000135.4 (MANE Select); coding-DNA position 2143, G replaced by T.
Protein change: p.Glu715Ter; replaces glutamic acid 715 with a stop codon.
Molecular consequence: nonsense.
Genome position (GRCh38, 1-based): chr16:89,771,686, C>A on the plus strand (G>T on the coding strand, the complement: FANCA is on the minus strand). VCF-style: chr16-89771686-C-A. GRCh37 (hg19) VCF-style: chr16-89838094-C-A.
Other names: c.2143G>T, p.Glu715Ter (NM_001286167.3); short protein forms E715*.
Identifiers: ClinVar variation 1322867 (VCV001322867.9), dbSNP rs781436006, ClinGen allele CA8251895.